The following is an entry in ClinVar:

ClinVar aggregate classification (germline): Pathogenic (1 of 4 stars; one submission).

Conditions:
Intellectual developmental disorder, autosomal dominant 6, with or without seizures. Also called: Intellectual disability, autosomal dominant 6; GRIN2B-related developmental delay, intellectual disability and autism spectrum disorder. Identifiers: Orphanet 589547, MedGen C3151411, MONDO:0013509, OMIM 613970.

Submission:

Genos
Classification: Pathogenic for Intellectual developmental disorder, autosomal dominant 6, with or without seizures. Last evaluated: 2026-08-12. Review status: criteria provided, single submitter. Criteria: ACMG Guidelines, 2015. Collection method: clinical testing. Allele origin: de novo. Inheritance: Autosomal dominant inheritance. Affected: yes.
Comment: The variant NM_000834.5:c.386del, p.(Gly129Alafs*4) introduces a frameshift and premature termination codon early in the GRIN2B coding sequence. The altered transcript is predicted to undergo nonsense-mediated mRNA decay, resulting in loss of GRIN2B function. Loss of function is an established disease mechanism for GRIN2B-related neurodevelopmental disorder. The variant is absent from population controls in gnomAD v4.1.0. Parental testing showed that the variant was not detected in either parent; biological parentage was not independently confirmed, supporting a presumed de novo occurrence. Based on ACMG/AMP criteria with ACGS 2024 specifications, this variant is classified as pathogenic (PVS1, PM2, PM6).

NM_000834.5(GRIN2B):c.386del (p.Gly129fs)

Gene: GRIN2B (glutamate ionotropic receptor NMDA type subunit 2B; minus strand). Cytogenetic location: 12p13.1.
Variant type: Deletion.
Coding change: c.386del on transcript NM_000834.5 (MANE Select); coding-DNA position 386, one base deleted (G; older notation c.386delG).
Protein change: p.Gly129fs; shifts the reading frame from glycine 129.
Molecular consequence: frameshift variant.
Genome position (GRCh38, 1-based): chr12:13,865,823, C deleted on the plus strand (G on the coding strand, the reverse complement: GRIN2B is on the minus strand); the first of 5 consecutive C bases (chr12:13,865,823-13,865,827); deleting any one gives the same sequence. VCF-style (leftmost placement, unchanged base first): chr12-13865822-GC-G. GRCh37 (hg19) VCF-style: chr12-14018756-GC-G.
Other names: c.386del, p.Gly129fs (NM_001413992.1, NM_001413993.1, NM_001413994.1 and 1 more transcripts); short protein forms G129fs.
Identifiers: ClinVar variation 4886969 (VCV004886969.1).